The following is an entry in ClinVar:

NM_022489.4(INF2):c.1+174C>T

Gene: INF2 (inverted formin 2; plus strand). Cytogenetic location: 14q32.33.
Variant type: single nucleotide variant.
Coding change: c.1+174C>T on transcript NM_022489.4 (MANE Select); 174 bases into the intron after coding-DNA position 1, C replaced by T.
Molecular consequence: intron variant.
Genome position (GRCh38, 1-based): chr14:104,715,514, C>T. VCF-style: chr14-104715514-C-T. GRCh37 (hg19) VCF-style: chr14-105181851-C-T.
Other names: c.3694+658C>T (NM_001031714.4).
Identifiers: ClinVar variation 681953 (VCV000681953.1), dbSNP rs4247031, ClinGen allele CA13972636.

ClinVar aggregate classification (germline): Benign (1 of 4 stars; one submission).

Allele frequency attached by ClinVar (database versions not stated): gnomAD 0.45277 and 0.46408; TOPMed 0.46659; 1000 Genomes Project 30x 0.54247; 1000 Genomes Project 0.54593.

Submission:

GeneDx
Classification: Benign. Last evaluated: 2018-06-14. Review status: criteria provided, single submitter. Criteria: GeneDx Variant Classification (06012015). Collection method: clinical testing. Allele origin: germline. Affected: yes.
Comment: This variant is considered likely benign or benign based on one or more of the following criteria: it is a conservative change, it occurs at a poorly conserved position in the protein, it is predicted to be benign by multiple in silico algorithms, and/or has population frequency not consistent with disease.